The following is an entry in ClinVar:

ClinVar aggregate classification (germline): Pathogenic/Likely pathogenic. Review status: criteria provided, multiple submitters, no conflicts (2 of 4 stars). 4 submissions from 4 submitters: Pathogenic (3); Likely pathogenic (1). Last evaluated 2023-12-23.

Conditions:
Retinitis pigmentosa 39 (RP39). Identifiers: Orphanet 791, MedGen C3151138, MONDO:0013436, OMIM 613809.
Usher syndrome type 2A. Also called: RETINAL DISEASE IN USHER SYNDROME TYPE IIA, MODIFIER OF; USHER SYNDROME, TYPE IIA. Identifiers: Orphanet 231178, Orphanet 886, MedGen C1848634, MONDO:0010169, OMIM 276901.

Allele frequency attached by ClinVar (database versions not stated): gnomAD exomes below 0.00001.
gnomAD v4.1: 1 of 1,614,150 alleles (0.000062%); highest among the groups gnomAD compares: Non-Finnish European, 0.000085%; no homozygotes.

Submissions (4):

Baylor Genetics
Classification: Likely pathogenic for Retinitis pigmentosa 39. Last evaluated: 2023-12-23. Review status: criteria provided, single submitter. Criteria: ACMG Guidelines, 2015. Collection method: clinical testing. Allele origin: unknown.

Genome-Nilou Lab
Classification: Pathogenic for Usher syndrome type 2A. Last evaluated: 2023-11-04. Review status: criteria provided, single submitter. Criteria: ACMG Guidelines, 2015. Collection method: clinical testing. Allele origin: germline. Affected: no.

Labcorp Genetics (formerly Invitae), Labcorp
Classification: Pathogenic. Last evaluated: 2023-10-18. Review status: criteria provided, single submitter. Criteria: Invitae Variant Classification Sherloc (09022015). Collection method: clinical testing. Allele origin: germline.
Comment: This sequence change creates a premature translational stop signal (p.Glu2667*) in the USH2A gene. It is expected to result in an absent or disrupted protein product. Loss-of-function variants in USH2A are known to be pathogenic (PMID: 10729113, 10909849, 20507924, 25649381). This variant is present in population databases (no rsID available, gnomAD 0.0009%). This premature translational stop signal has been observed in individual(s) with Usher syndrome (Invitae). ClinVar contains an entry for this variant (Variation ID: 620283). For these reasons, this variant has been classified as Pathogenic.

GeneDx
Classification: Pathogenic. Last evaluated: 2018-07-25. Review status: criteria provided, single submitter. Criteria: GeneDx Variant Classification (06012015). Collection method: clinical testing. Allele origin: germline. Affected: yes.
Comment: The E2667X variant in the USH2A gene has not been reported previously as a pathogenic variant nor as a benign variant, to our knowledge. This variant is predicted to cause loss of normal protein function either through protein truncation or nonsense-mediated mRNA decay. The E2667X variant is not observed at a significant frequency in large population cohorts (Lek et al., 2016). We interpret E2667X as a pathogenic variant.

Literature cited by the submitters: PubMed 10729113 (cited by Labcorp Genetics (formerly Invitae), Labcorp); PubMed 10909849 (cited by Labcorp Genetics (formerly Invitae), Labcorp); PubMed 20507924 (cited by Labcorp Genetics (formerly Invitae), Labcorp); PubMed 25649381 (cited by Labcorp Genetics (formerly Invitae), Labcorp).

NM_206933.4(USH2A):c.7999G>T (p.Glu2667Ter)

Gene: USH2A (usherin; minus strand). Cytogenetic location: 1q41.
Variant type: single nucleotide variant.
Coding change: c.7999G>T on transcript NM_206933.4 (MANE Select); coding-DNA position 7999, G replaced by T.
Protein change: p.Glu2667Ter; replaces glutamic acid 2667 with a stop codon.
Molecular consequence: nonsense.
Genome position (GRCh38, 1-based): chr1:215,888,650, C>A on the plus strand (G>T on the coding strand, the complement: USH2A is on the minus strand). VCF-style: chr1-215888650-C-A. GRCh37 (hg19) VCF-style: chr1-216061992-C-A.
Other names: short protein forms E2667*.
Identifiers: ClinVar variation 620283 (VCV000620283.11), dbSNP rs1301139848, ClinGen allele CA344839280.